The following is an entry in ClinVar:

NM_000093.5(COL5A1):c.4139C>A (p.Thr1380Asn)

Gene: COL5A1 (collagen type V alpha 1 chain; plus strand). Cytogenetic location: 9q34.3.
Variant type: single nucleotide variant.
Coding change: c.4139C>A on transcript NM_000093.5 (MANE Select); coding-DNA position 4139, C replaced by A.
Protein change: p.Thr1380Asn; replaces threonine 1380 with asparagine.
Molecular consequence: missense variant.
Genome position (GRCh38, 1-based): chr9:134,817,042, C>A. VCF-style: chr9-134817042-C-A. GRCh37 (hg19) VCF-style: chr9-137708888-C-A.
Other names: p.T1380N:ACT>AAT; c.4139C>A, p.Thr1380Asn (NM_001278074.1); short protein forms T1380N.
Identifiers: ClinVar variation 212905 (VCV000212905.11), dbSNP rs863223439, ClinGen allele CA321198.

ClinVar aggregate classification (germline): Conflicting classifications of pathogenicity. Review status: criteria provided, conflicting classifications (1 of 4 stars). 2 submissions from 2 submitters: Uncertain significance (1); Likely benign (1). Last evaluated 2020-01-10.

Conditions:
Ehlers-Danlos syndrome, classic type, 1 (EDSCL1). Also called: Ehlers-Danlos Syndrome, Classic Type, COL5A1-Related; EHLERS-DANLOS SYNDROME, GRAVIS TYPE; EHLERS-DANLOS SYNDROME, SEVERE CLASSIC TYPE; Ehlers-Danlos syndrome, type 1; EDS I. Identifiers: MedGen C0268335, MONDO:0019567, OMIM 130000.

Allele frequency attached by ClinVar (database versions not stated): TOPMed below 0.00001.

Submissions (2):

Labcorp Genetics (formerly Invitae), Labcorp
Classification: Uncertain significance for Ehlers-Danlos syndrome, classic type, 1. Last evaluated: 2020-01-10. Review status: criteria provided, single submitter. Criteria: Invitae Variant Classification Sherloc (09022015). Collection method: clinical testing. Allele origin: germline.
Comment: This variant has not been reported in the literature in individuals with COL5A1-related conditions. ClinVar contains an entry for this variant (Variation ID: 212905). This variant is not present in population databases (ExAC no frequency). This sequence change replaces threonine with asparagine at codon 1380 of the COL5A1 protein (p.Thr1380Asn). The threonine residue is highly conserved and there is a small physicochemical difference between threonine and asparagine. Experimental studies and prediction algorithms are not available or were not evaluated, and the functional significance of this variant is currently unknown. In summary, the available evidence is currently insufficient to determine the role of this variant in disease. Therefore, it has been classified as a Variant of Uncertain Significance.

GeneDx
Classification: Likely benign. Last evaluated: 2013-04-01. Review status: criteria provided, single submitter. Criteria: GeneDx Variant Classification (06012015). Collection method: clinical testing. Allele origin: germline. Affected: yes.
Comment: This variant is considered likely benign or benign based on one or more of the following criteria: it is a conservative change, it occurs at a poorly conserved position in the protein, it is predicted to be benign by multiple in silico algorithms, and/or has population frequency not consistent with disease.